The following is an entry in ClinVar:

ClinVar aggregate classification (germline): Pathogenic (1 of 4 stars; one submission).

Conditions:
Gastrointestinal stromal tumor. Also called: Gastrointestinal stromal tumor, somatic; Gastrointestinal stroma tumor. Identifiers: Orphanet 44890, MedGen C0238198, MeSH D046152, MONDO:0011719, OMIM 606764, HP:0100723.

Submission:

Labcorp Genetics (formerly Invitae), Labcorp
Classification: Pathogenic for Gastrointestinal stromal tumor. Last evaluated: 2026-01-21. Review status: criteria provided, single submitter. Criteria: Invitae Variant Classification Sherloc (09022015). Collection method: clinical testing. Allele origin: germline.
Comment: This sequence change creates a premature translational stop signal (p.Leu769Phefs*42) in the KIT gene. It is expected to result in an absent or disrupted protein product. Loss-of-function variants in KIT are known to be pathogenic (PMID: 15194144). This variant is not present in population databases (gnomAD no frequency). This variant has not been reported in the literature in individuals affected with KIT-related conditions. For these reasons, this variant has been classified as Pathogenic.

Literature cited by the submitters: PubMed 15194144.

NM_000222.3(KIT):c.2306dup (p.Leu769fs)

Gene: KIT (KIT proto-oncogene, receptor tyrosine kinase; plus strand). Cytogenetic location: 4q12.
Variant type: Duplication.
Coding change: c.2306dup on transcript NM_000222.3 (MANE Select); coding-DNA position 2306, one base duplicated (T; older notation c.2306dupT).
Protein change: p.Leu769fs; shifts the reading frame from leucine 769.
Molecular consequence: frameshift variant.
Genome position (GRCh38, 1-based): chr4:54,731,943, T duplicated; the last of 2 consecutive T bases (chr4:54,731,942-54,731,943); duplicating either gives the same sequence. VCF-style (leftmost placement, unchanged base first): chr4-54731941-C-CT. GRCh37 (hg19) VCF-style: chr4-55598107-C-CT.
Other names: c.2294dup, p.Leu765fs (NM_001093772.2, NM_001385292.1); c.2309dup, p.Leu770fs (NM_001385284.1); c.2303dup, p.Leu768fs (NM_001385285.1); c.2291dup, p.Leu764fs (NM_001385286.1); c.2297dup, p.Leu766fs (NM_001385288.1); c.2306dup, p.Leu769fs (NM_001385290.1); short protein forms L769fs, L765fs, L768fs, L764fs, L770fs, L766fs.
Identifiers: ClinVar variation 4735953 (VCV004735953.1).
Genomic context (GRCh38, chr4:54,731,941, plus strand): 5'-AGAAAGAGATGTGACTCCCGCCATCATGGAGGATGACGAGTTGGCCCTAGACTTAGAAGA[C>CT]TTGCTGAGCTTTTCTTACCAGGTGGCAAAGGGCATGGCTTTCCTCGCCTCCAAGAATGTA-3'